The following is an entry in ClinVar:

NC_000017.10:g.29541567_29580544del

Gene: NF1 (neurofibromin 1; plus strand).
Variant type: Deletion.
Identifiers: ClinVar variation 845037 (VCV000845037.1).

ClinVar aggregate classification (germline): Pathogenic (1 of 4 stars; one submission).

Conditions:
Neurofibromatosis, type 1 (NF1). Also called: Peripheral type neurofibromatosis; VON RECKLINGHAUSEN DISEASE; Neurofibromatosis, type I; NEUROFIBROMATOSIS, TYPE I, SOMATIC. Identifiers: Orphanet 636, MedGen C0027831, MONDO:0018975, OMIM 162200. Disease mechanism: loss of function.

Submission:

Labcorp Genetics (formerly Invitae), Labcorp
Classification: Pathogenic for Neurofibromatosis, type 1. Last evaluated: 2019-12-26. Review status: criteria provided, single submitter. Criteria: Invitae Variant Classification Sherloc (09022015). Collection method: clinical testing. Allele origin: germline.
Comment: This variant results in the deletion of part of exon 13 and exon(s) 14-30 of the NF1 gene. It is expected to disrupt RNA splicing and likely results in an absent or disrupted protein product. This variant has not been reported in the literature in individuals with NF1-related conditions. This variant disrupts the p.Leu695 amino acid residue in NF1. Other variant(s) that disrupt this residue have been determined to be pathogenic (PMID: 10712197, 23404336, 26331193, 23758643). This suggests that this residue is clinically significant, and that variants that disrupt this residue are likely to be disease-causing. Loss-of-function variants in NF1 are known to be pathogenic (PMID: 10712197, 23913538). For these reasons, this variant has been classified as Pathogenic.

Literature cited by the submitters: PubMed 26331193; PubMed 23758643; PubMed 23404336; PubMed 10712197.